The following is an entry in ClinVar:

ClinVar aggregate classification (germline): Uncertain significance. Review status: criteria provided, multiple submitters, no conflicts (2 of 4 stars). 2 submissions from 2 submitters: Uncertain significance (2). Last evaluated 2025-05-23.

Conditions:
TRIM32-related disorder. Also called: TRIM32-related condition.

Allele frequency attached by ClinVar (database versions not stated): TOPMed 0.00001.
gnomAD v4.1: 2 of 1,614,160 alleles (0.00012%); highest among the groups gnomAD compares: Non-Finnish European, 0.00017%; no homozygotes.

Submissions (2):

PreventionGenetics, part of Exact Sciences
Classification: Uncertain significance for TRIM32-related condition. Last evaluated: 2025-05-23. Review status: criteria provided, single submitter. Criteria: ACMG Guidelines, 2015. Collection method: clinical testing. Allele origin: germline.
Comment: The TRIM32 c.1787G>T variant is predicted to result in the amino acid substitution p.Arg596Leu. To our knowledge, this variant has not been reported in the literature or in a large population database, indicating this variant is rare. At this time, the clinical significance of this variant is uncertain due to the absence of conclusive functional and genetic evidence.

Revvity Omics, Revvity
Classification: Uncertain significance. Last evaluated: 2019-04-11. Review status: criteria provided, single submitter. Criteria: ACMG Guidelines, 2015. Collection method: clinical testing. Allele origin: germline.

NM_012210.4(TRIM32):c.1787G>T (p.Arg596Leu)

Genes: ASTN2 (astrotactin 2; minus strand), TRIM32 (tripartite motif containing 32; plus strand). Cytogenetic location: 9q33.1.
Variant type: single nucleotide variant.
Coding change: c.1787G>T on transcript NM_012210.4 (MANE Select); coding-DNA position 1787, G replaced by T.
Protein change: p.Arg596Leu; replaces arginine 596 with leucine.
Molecular consequence: missense variant. On other transcripts: intron variant (3).
Genome position (GRCh38, 1-based): chr9:116,699,529, G>T. VCF-style: chr9-116699529-G-T. GRCh37 (hg19) VCF-style: chr9-119461808-G-T.
Other names: c.1787G>T, p.Arg596Leu (NM_001099679.2, NM_001379048.1, NM_001379049.1 and 1 more transcripts); c.2653+26242C>A (NM_014010.5); c.2794+26242C>A (NM_001365069.1); c.2806+26242C>A (NM_001365068.1); short protein forms R596L.
Identifiers: ClinVar variation 2437266 (VCV002437266.5), dbSNP rs750300057, ClinGen allele CA198771474.